The following is an entry in ClinVar:

NM_004408.4(DNM1):c.2541G>A (p.Ser847=)

Gene: DNM1 (dynamin 1; plus strand). Cytogenetic location: 9q34.11.
Variant type: single nucleotide variant.
Coding change: c.2541G>A on transcript NM_004408.4 (MANE Select); coding-DNA position 2541, G replaced by A.
Protein change: p.Ser847=; no amino-acid change (serine 847 retained).
Molecular consequence: synonymous variant. On other transcripts: 3 prime UTR variant (3).
Genome position (GRCh38, 1-based): chr9:128,254,660, G>A. VCF-style: chr9-128254660-G-A. GRCh37 (hg19) VCF-style: chr9-131016939-G-A.
Other names: c.*22G>A (NM_001005336.3, NM_001288737.2); c.*667G>A (NM_001288738.2); c.2541G>A, p.Ser847= (NM_001288739.2).
Identifiers: ClinVar variation 476065 (VCV000476065.17), dbSNP rs545142847, ClinGen allele CA5258495.
Genomic context (GRCh38, chr9:128,254,660, plus strand): 5'-CTCTCTCCTCGCTTTTCTCTCCCGTTTTCTCTCTGCTTTCTCTCCAACTGCCAGCCGATC[G>A]GGTCAGGCAAGTCCATCCCGTCCTGAGAGCCCCAGGCCCCCCTTCGACCTCTAAACAGAT-3'
Protein context (NP_004399.2, residues 837-857): NRAPPGVPSR[Ser847=]GQASPSRPES

ClinVar aggregate classification (germline): Benign/Likely benign. Review status: criteria provided, multiple submitters, no conflicts (2 of 4 stars). 5 submissions from 5 submitters: Benign (2); Likely benign (2). 1 of the submissions does not count toward it. Last evaluated 2025-04-30.

Conditions:
DNM1-related disorder. Also called: DNM1-related condition.
Inborn genetic diseases. Identifiers: MedGen C0950123, MeSH D030342.
Developmental and epileptic encephalopathy, 31A. Also called: Epileptic encephalopathy, early infantile, 31; Developmental and epileptic encephalopathy, 31. Identifiers: Orphanet 2382, MedGen C4225357, MONDO:0014598, OMIM 616346.

Allele frequency attached by ClinVar (database versions not stated): gnomAD 0.00007 and 0.00015; gnomAD exomes 0.00008 and 0.00028; TOPMed 0.00014; ExAC 0.00026; 1000 Genomes Project 0.00120; 1000 Genomes Project 30x 0.00125.
gnomAD v4.1: 137 of 1,595,998 alleles (0.0086%); highest among the groups gnomAD compares: East Asian, 0.25%; no homozygotes.

Submissions (5):

Labcorp Genetics (formerly Invitae), Labcorp
Classification: Benign for Developmental and epileptic encephalopathy, 31A. Last evaluated: 2025-04-30. Review status: criteria provided, single submitter. Criteria: Invitae Variant Classification Sherloc (09022015). Collection method: clinical testing. Allele origin: germline.

Blueprint Genetics
Classification: Likely benign. Last evaluated: 2024-10-02. Review status: criteria provided, single submitter. Criteria: ACMG Guidelines, 2015. Collection method: clinical testing. Allele origin: germline.

GeneDx
Classification: Benign. Last evaluated: 2017-07-06. Review status: criteria provided, single submitter. Criteria: GeneDx Variant Classification (06012015). Collection method: clinical testing. Allele origin: germline. Affected: yes.
Comment: This variant is considered likely benign or benign based on one or more of the following criteria: it is a conservative change, it occurs at a poorly conserved position in the protein, it is predicted to be benign by multiple in silico algorithms, and/or has population frequency not consistent with disease.

Ambry Genetics
Classification: Likely benign for Inborn genetic diseases. Last evaluated: 2017-05-04. Review status: criteria provided, single submitter. Criteria: Ambry Variant Classification Scheme 2023. Collection method: clinical testing. Allele origin: germline.

PreventionGenetics, part of Exact Sciences
Classification: Likely benign for DNM1-related condition. Last evaluated: 2023-11-28. Review status: no assertion criteria provided. Collection method: clinical testing. Allele origin: germline. Not counted in ClinVar's aggregate classification.
Comment: This variant is classified as likely benign based on ACMG/AMP sequence variant interpretation guidelines (Richards et al. 2015 PMID: 25741868, with internal and published modifications).